The following is an entry in ClinVar:

NM_005802.5(TOPORS):c.2737G>A (p.Asp913Asn)

Gene: TOPORS (TOP1 binding arginine/serine rich protein, E3 ubiquitin ligase; minus strand). Cytogenetic location: 9p21.1.
Variant type: single nucleotide variant.
Coding change: c.2737G>A on transcript NM_005802.5 (MANE Select); coding-DNA position 2737, G replaced by A.
Protein change: p.Asp913Asn; replaces aspartic acid 913 with asparagine.
Molecular consequence: missense variant.
Genome position (GRCh38, 1-based): chr9:32,541,788, C>T on the plus strand (G>A on the coding strand, the complement: TOPORS is on the minus strand). VCF-style: chr9-32541788-C-T. GRCh37 (hg19) VCF-style: chr9-32541786-C-T.
Other names: c.2542G>A, p.Asp848Asn (NM_001195622.2); short protein forms D913N, D848N.
Identifiers: ClinVar variation 2760315 (VCV002760315.3), dbSNP rs1441632515, ClinGen allele CA373161587.

ClinVar aggregate classification (germline): Uncertain significance (1 of 4 stars; one submission).

Allele frequency attached by ClinVar (database versions not stated): gnomAD exomes below 0.00001; TOPMed below 0.00001; gnomAD 0.00001.
gnomAD v4.1: 8 of 1,614,084 alleles (0.0005%); highest among the groups gnomAD compares: East Asian, 0.0022%; no homozygotes.

Submission:

Labcorp Genetics (formerly Invitae), Labcorp
Classification: Uncertain significance. Last evaluated: 2023-05-23. Review status: criteria provided, single submitter. Criteria: Invitae Variant Classification Sherloc (09022015). Collection method: clinical testing. Allele origin: germline.
Comment: This sequence change replaces aspartic acid, which is acidic and polar, with asparagine, which is neutral and polar, at codon 913 of the TOPORS protein (p.Asp913Asn). In summary, the available evidence is currently insufficient to determine the role of this variant in disease. Therefore, it has been classified as a Variant of Uncertain Significance. Experimental studies and prediction algorithms are not available or were not evaluated, and the functional significance of this variant is currently unknown. This variant has not been reported in the literature in individuals affected with TOPORS-related conditions. This variant is not present in population databases (gnomAD no frequency).